The following is an entry in ClinVar:

ClinVar aggregate classification (germline): Likely pathogenic. Review status: reviewed by expert panel (3 of 4 stars). 37 submissions from 37 submitters: Likely pathogenic (1). 36 of the submissions do not count toward it. Last evaluated 2025-07-01.

Conditions:
Monogenic hearing loss.
Cardiac arrhythmia. Also called: Arrhythmia; Cardiac rhythm disease. Identifiers: MedGen C0003811, MONDO:0007263, HP:0011675.
Familial long QT syndrome (RWS). Also called: VENTRICULAR FIBRILLATION WITH PROLONGED QT INTERVAL; Congenital long QT syndrome; Romano-Ward syndrome. Identifiers: Orphanet 768, MedGen C1141890, MONDO:0019171.
KCNQ1-related disorder. Also called: KCNQ1-related condition; KCNQ1-related disorders. Identifiers: MedGen CN239322.
Cardiovascular phenotype. Identifiers: MedGen CN230736.
Long QT syndrome (LQTS). Identifiers: MedGen C0023976, MeSH D008133, MONDO:0002442. Disease mechanism: loss of function. Inheritance: Various modes of inheritance.
Jervell and Lange-Nielsen syndrome 1 (JLNS1). Also called: CARDIOAUDITORY SYNDROME OF JERVELL AND LANGE-NIELSEN; PROLONGED QT INTERVAL IN EKG AND SUDDEN DEATH; SURDO-CARDIAC SYNDROME; DEAFNESS, CONGENITAL, AND FUNCTIONAL HEART DISEASE. Identifiers: Orphanet 768, Orphanet 90647, MedGen C4551509, MONDO:0024540, OMIM 220400.
Long QT syndrome 1 (LQT1). Identifiers: Orphanet 101016, Orphanet 768, MedGen C4551647, MONDO:0100316, OMIM 192500, MONDO:0008646.
Long QT syndrome 1, recessive. Identifiers: MedGen C4017089.

Allele frequency attached by ClinVar (database versions not stated): gnomAD 0.00003; gnomAD exomes 0.00015 and 0.00010; ExAC 0.00017; TOPMed 0.00003.

Submissions 1 to 6 of 37:

ClinGen Potassium Channel Arrhythmia Variant Curation Expert Panel, ClinGen
Classification: Likely pathogenic for Long QT syndrome 1. Last evaluated: 2025-07-01. Review status: reviewed by expert panel. Criteria: ClinGen KChannel ACMG Specifications KCNQ1 V1.0.0 2. Collection method: curation. Allele origin: germline. Inheritance: Autosomal dominant inheritance.
Comment: NM_000218.3(KCNQ1):c.1552C>T (p.Arg518Ter) is a nonsense variant in exon 12 of 16 that introduces a premature stop codon at codon 518 and is predicted to trigger nonsense-mediated decay (PVS1). This variant is present in gnomAD v.4.1.0 at a maximum allele frequency of 0.0001737, with 205/1179992 alleles in the European (non-Finnish) population, which is lower than the ClinGen Potassium Channel Arrhythmia VCEP BS1 threshold of >0.0004 and higher than the PM2_Supporting threshold of <0.00001, so neither criterion is met. This variant has been detected in at least 2 apparently unrelated individuals with Jervell and Lange-Nielsen syndrome who had both a long QT interval and congenital deafness and harbored the variant in the homozygous state (1 pt, PMID: 29922582, PMID: 28438721, PM3), however PM3 is not met since this code requires the variant to be sufficiently rare (meeting PM2_Supporting). Additional individuals harbored the variant in the compound heterozygous state, some with autosomal recessive long QT syndrome (without congenital deafness) and others with Jervell and Lange-Nielsen syndrome (PMID: 24912595, PMID: 23392653). One individual harbored the variant in the compound heterozygous state, confirmed in trans with the NM_000218.3(KCNQ1):c.1573G>A (p.Ala525Thr) variant, which has not yet been classified by the ClinGen Potassium Channel Arrhythmia VCEP (PMID: 24912595). This variant has been shown to disrupt KCNQ1 function in at least four experimental assays, including manual patch-clamp and KCNQ1 mislocalization by immunofluorescence (PMID: 24912595, PMID: 25705178), however, PS3_Supporting is not met since the variant has already met PVS1. In summary, this variant meets the criteria to be classified as likely pathogenic for long QT syndrome 1 based on the ACMG/AMP criteria applied, as specified by the ClinGen Potassium Channel Arrhythmia VCEP: PVS1. (VCEP specifications version 1.0.0; date of approval 03/04/2025).

Victorian Clinical Genetics Services, Murdoch Childrens Research Institute
Classification: Likely pathogenic for Long QT syndrome 1. Last evaluated: 2026-07-14. Review status: criteria provided, single submitter. Criteria: ACMG Guidelines, 2015. Collection method: clinical testing. Allele origin: germline. Affected: yes. Not counted in ClinVar's aggregate classification.
Comment: This variant is classified as Likely pathogenic. Evidence in support of pathogenic classification: Variant is predicted to cause nonsense-mediated decay (NMD) and loss of protein (premature termination codon is located at least 54 nucleotides upstream of the final exon-exon junction); Variant is present in gnomAD <0.01 (v4: 231 heterozygote(s), 0 homozygote(s)); This variant has strong previous evidence of pathogenicity in unrelated individuals. This variant has been classified as likely pathogenic for long QT syndrome (LQTS) by the ClinGen Potassium Channel Arrhythmia Variant Curation Expert Panel (ClinVar). It has also been observed in many heterozygous individuals with mild LQTS, and compound heterozygous or homozygous individuals with Jervell and Lange-Nielsen syndrome (VCGS cohort); Other NMD-predicted variants comparable to the one identified in this case have very strong previous evidence for pathogenicity (DECIPHER, ClinVar). Additional information: This variant is heterozygous; This gene is known to be associated with both recessive and dominant disease. JLNS is characterized by congenital, bilateral deafness and variable degrees of QT prolongation, and is the only condition caused by biallelic variants (PMID: 28438721); Dominant negative, loss of function and gain of function are known mechanisms of disease in this gene. Gain of function variants result exclusively in short QT syndrome (MIM#609621), while dominant negative and loss of function variants can cause long QT syndrome (LQTS, MIM#192500), atrial fibrillation (MIM#607554) and Jervell and Lange-Nielsen syndrome (JLNS, MIM#220400) (OMIM, PMIDs: 19632626, 28438721); The condition associated with this gene has incomplete penetrance (OMIM, PMID: 20301308); Inheritance information for this variant is not currently available in this individual.

PreventionGenetics, part of Exact Sciences
Classification: Pathogenic for KCNQ1-related condition. Last evaluated: 2026-04-09. Review status: criteria provided, single submitter. Criteria: ACMG Guidelines, 2015. Collection method: clinical testing. Allele origin: germline. Not counted in ClinVar's aggregate classification.
Comment: The KCNQ1 c.1552C>T variant is predicted to result in premature protein termination (p.Arg518*). This variant has been reported to be associated with autosomal recessive Jervell and Lange-Nielsen syndrome and autosomal dominant long QT syndrome (Larsen et al. 1999. PubMed ID: 10482963; Tranebjaerg et al. 1999. PubMed ID: 10704188; Wei et al. 2000. PubMed ID: 10737999; Winbo et al. 2012. PubMed ID: 22539601). Reduced penetrance and variable expressivity have been reported for this variant (Winbo et al. 2012. PubMed ID: 22539601; Winbo et al. 2014. PubMed ID: 24552659). This variant is reported in 0.018% of alleles in individuals of European (Non-Finnish) descent in gnomAD and is interpreted as pathogenic by the majority of submitters in ClinVar (Variation ID: 3131). Nonsense KCNQ1 variants are expected to be pathogenic. This variant is interpreted as pathogenic.

Labcorp Genetics (formerly Invitae), Labcorp
Classification: Pathogenic for Long QT syndrome. Last evaluated: 2026-01-27. Review status: criteria provided, single submitter. Criteria: Invitae Variant Classification Sherloc (09022015). Collection method: clinical testing. Allele origin: germline. Not counted in ClinVar's aggregate classification.
Comment: This sequence change creates a premature translational stop signal (p.Arg518*) in the KCNQ1 gene. It is expected to result in an absent or disrupted protein product. Loss-of-function variants in KCNQ1 are known to be pathogenic (PMID: 9323054, 19862833). This variant is present in population databases (rs17215500, gnomAD 0.02%). This premature translational stop signal has been observed in individual(s) with Jervell and Lange-Nielsen syndrome and/or long QT syndrome, although the clinical manifestations of long QT syndrome for heterozygous carriers are typically mild (PMID: 10704188, 22539601, 23098067, 24552659). It is commonly reported in individuals of Swedish ancestry (PMID: 24552659). ClinVar contains an entry for this variant (Variation ID: 3131). For these reasons, this variant has been classified as Pathogenic.

Department of Molecular Genetics, Istishari Arab Hospital
Classification: Likely pathogenic for Long QT syndrome 1. Last evaluated: 2026-01-17. Review status: criteria provided, single submitter. Criteria: ACMG Guidelines, 2015. Collection method: clinical testing. Allele origin: germline. Inheritance: Autosomal dominant inheritance. Affected: yes. Not counted in ClinVar's aggregate classification.
Comment: The KCNQ1 variant c.1552C>T, p.Arg518* creates a premature stop codon at position 518. This stop-gained (nonsense) variant is predicted to result in a loss or disruption of normal protein function through nonsense-mediated decay (NMD) or protein truncation. This variant is observed with an extremely low frequency in the gnomAD v4.1.0 dataset (<0.001). According to ClinGen, this variant was classified as likely pathogenic in association with Autosomal Dominant Long QT syndrome 1. It is classified as likely pathogenic based on the implementation of the ACMG/AMP/ClinGen SVI guidelines.

CeGaT Center for Human Genetics Tuebingen
Classification: Pathogenic. Last evaluated: 2026-01-01. Review status: criteria provided, single submitter. Criteria: CeGaT Center For Human Genetics Tuebingen Variant Classification Criteria Version 2. Collection method: clinical testing. Allele origin: germline. Affected: yes. Observed: 4 variant alleles. Not counted in ClinVar's aggregate classification.
Comment: KCNQ1: PVS1, PM2, PS4:Moderate

NM_000218.3(KCNQ1):c.1552C>T (p.Arg518Ter)

Gene: KCNQ1 (potassium voltage-gated channel subfamily Q member 1; plus strand). Cytogenetic location: 11p15.5.
Variant type: single nucleotide variant.
Coding change: c.1552C>T on transcript NM_000218.3 (MANE Select); coding-DNA position 1552, C replaced by T.
Protein change: p.Arg518Ter; replaces arginine 518 with a stop codon.
Molecular consequence: nonsense.
Genome position (GRCh38, 1-based): chr11:2,768,881, C>T. VCF-style: chr11-2768881-C-T. GRCh37 (hg19) VCF-style: chr11-2790111-C-T.
Other names: p.R518*:CGA>TGA; NM_000218.3(KCNQ1):c.1552C>T; p.Arg518Ter; c.1456C>T, p.Arg486Ter (NM_001406836.1); c.1282C>T, p.Arg428Ter (NM_001406837.1); c.1012C>T, p.Arg338Ter (NM_001406838.1); c.1171C>T, p.Arg391Ter (NM_181798.2); short protein forms R518*, R391*, R338*, R428*, R486*.
Identifiers: ClinVar variation 3131 (VCV000003131.85), dbSNP rs17215500, ClinGen allele CA005894.